The following is an entry in ClinVar:

NM_017637.6(BNC2):c.2051C>T (p.Pro684Leu)

Genes: BNC2 (basonuclin zinc finger protein 2; minus strand), LOC126860585 (MED14-independent group 3 enhancer GRCh37_chr9:16435259-16436458; plus strand). Cytogenetic location: 9p22.3.
Variant type: single nucleotide variant.
Coding change: c.2051C>T on transcript NM_017637.6 (MANE Select); coding-DNA position 2051, C replaced by T.
Protein change: p.Pro684Leu; replaces proline 684 with leucine.
Molecular consequence: missense variant.
Genome position (GRCh38, 1-based): chr9:16,436,143, G>A on the plus strand (C>T on the coding strand, the complement: BNC2 is on the minus strand). VCF-style: chr9-16436143-G-A. GRCh37 (hg19) VCF-style: chr9-16436141-G-A.
Other names: c.1925C>T, p.Pro642Leu (NM_001317939.2); c.1766C>T, p.Pro589Leu (NM_001317940.2); short protein forms P684L, P642L, P589L.
Identifiers: ClinVar variation 120234 (VCV000120234.6), dbSNP rs138187836, ClinGen allele CA204326.

ClinVar aggregate classification (germline): Uncertain significance. Review status: criteria provided, single submitter (1 of 4 stars). 2 submissions from 2 submitters: Uncertain significance (1). 1 of the submissions does not count toward it. Last evaluated 2022-06-25.

Conditions:
Hypotension. Also called: Hypotensive disorder; low blood pressure. Identifiers: MedGen C0020649, MONDO:0005468, HP:0002615, MeSH D007022.

Allele frequency attached by ClinVar (database versions not stated): gnomAD exomes below 0.00001; ExAC 0.00001; 1000 Genomes Project 30x 0.00031; 1000 Genomes Project 0.00040; gnomAD 0.00001.
gnomAD v4.1: 9 of 1,614,130 alleles (0.00056%); highest among the groups gnomAD compares: African/African-American, 0.0067%; no homozygotes.

Submissions (2):

Labcorp Genetics (formerly Invitae), Labcorp
Classification: Uncertain significance. Last evaluated: 2022-06-25. Review status: criteria provided, single submitter. Criteria: Invitae Variant Classification Sherloc (09022015). Collection method: clinical testing. Allele origin: germline.
Comment: Algorithms developed to predict the effect of missense changes on protein structure and function are either unavailable or do not agree on the potential impact of this missense change (SIFT: "Tolerated"; PolyPhen-2: "Possibly Damaging"; Align-GVGD: "Class C0"). ClinVar contains an entry for this variant (Variation ID: 120234). This variant has not been reported in the literature in individuals affected with BNC2-related conditions. This variant is present in population databases (rs138187836, gnomAD 0.007%). This sequence change replaces proline, which is neutral and non-polar, with leucine, which is neutral and non-polar, at codon 684 of the BNC2 protein (p.Pro684Leu). In summary, the available evidence is currently insufficient to determine the role of this variant in disease. Therefore, it has been classified as a Variant of Uncertain Significance.

Centre for molecular medicine, Karolinska Institutet
No classification provided. Condition: Hypotension. Review status: no classification provided. Collection method: not provided. Allele origin: not provided. Not counted in ClinVar's aggregate classification.
Comment: hold until published